The following is an entry in ClinVar:

NM_001387430.1(SH2B1):c.1898-228C>T

Gene: SH2B1 (SH2B adaptor protein 1; plus strand). Cytogenetic location: 16p11.2.
Variant type: single nucleotide variant.
Coding change: c.1898-228C>T on transcript NM_001387430.1 (MANE Select); 228 bases into the intron before coding-DNA position 1898, C replaced by T.
Molecular consequence: intron variant. On other transcripts: synonymous variant (4), missense variant (1).
Genome position (GRCh38, 1-based): chr16:28,873,219, C>T. VCF-style: chr16-28873219-C-T. GRCh37 (hg19) VCF-style: chr16-28884540-C-T.
Other names: c.1947C>T, p.Cys649= (NM_001145796.2, NM_001145812.2, NM_015503.3); c.2000C>T, p.Ala667Val (NM_001145797.2); c.939C>T, p.Cys313= (NM_001308294.2); c.1898-228C>T (NM_001308293.2, NM_001387404.1, NM_001145795.2); short protein forms A667V.
Identifiers: ClinVar variation 3348321 (VCV003348321.1).

ClinVar aggregate classification (germline): Uncertain significance (0 of 4 stars; one submission).

Conditions:
SH2B1-related disorder. Also called: SH2B1-related condition.

gnomAD v4.1: 5 of 1,603,450 alleles (0.00031%); highest among the groups gnomAD compares: Non-Finnish European, 0.00017%; no homozygotes.

Submission:

PreventionGenetics, part of Exact Sciences
Classification: Uncertain significance for SH2B1-related condition. Last evaluated: 2024-03-08. Review status: no assertion criteria provided. Collection method: clinical testing. Allele origin: germline.
Comment: The SH2B1 c.2000C>T variant is predicted to result in the amino acid substitution p.Ala667Val. To our knowledge, this variant has not been reported in the literature or in a large population database, indicating this variant is rare. At this time, the clinical significance of this variant is uncertain due to the absence of conclusive functional and genetic evidence.